The following is an entry in ClinVar:

ClinVar aggregate classification (germline): Conflicting classifications of pathogenicity. Review status: criteria provided, conflicting classifications (1 of 4 stars). 7 submissions from 7 submitters: Uncertain significance (6); Likely benign (1). Last evaluated 2025-11-21.

Conditions:
BRCA2-related cancer predisposition. Identifiers: MedGen CN377758, MONDO:0700269.
Hereditary cancer-predisposing syndrome. Also called: Hereditary Cancer Syndrome; Tumor predisposition; Hereditary neoplastic syndrome; Neoplastic Syndromes, Hereditary. Identifiers: Orphanet 140162, MedGen C0027672, MeSH D009386, MONDO:0015356.
Breast neoplasm. Also called: Breast tumor; Neoplasm of breast; Neoplasm of the breast; Breast Neoplasms. Identifiers: MedGen C1458155, MeSH D001943, MONDO:0021100, HP:0100013. Disease mechanism: gain of function.
Hereditary breast ovarian cancer syndrome. Also called: Hereditary breast and ovarian cancer syndrome (HBOC); Hereditary breast and ovarian cancer; BRCA1- and BRCA2-Associated Hereditary Breast and Ovarian Cancer; Hereditary breast and/or ovarian cancer syndrome; Breast and ovarian cancer; Hereditary breast and ovarian cancer syndrome. Identifiers: Orphanet 145, MedGen C0677776, MeSH D061325, MONDO:0003582. Disease mechanism: loss of function.
Familial cancer of breast. Also called: Hereditary breast cancer; BREAST CANCER, FAMILIAL; hereditary breast carcinoma. Identifiers: Orphanet 227535, MedGen C0346153, MONDO:0016419, OMIM 114480. Disease mechanism: loss of function.

Allele frequency attached by ClinVar (database versions not stated): gnomAD exomes below 0.00001.

Submissions (7):

Ambry Genetics
Classification: Uncertain significance for Hereditary cancer-predisposing syndrome. Last evaluated: 2025-11-21. Review status: criteria provided, single submitter. Criteria: Ambry Variant Classification Scheme 2023. Collection method: clinical testing. Allele origin: germline.
Comment: The p.T152A variant (also known as c.454A>G), located in coding exon 4 of the BRCA2 gene, results from an A to G substitution at nucleotide position 454. The threonine at codon 152 is replaced by alanine, an amino acid with similar properties. This amino acid position is highly conserved in available vertebrate species. In addition, this alteration is predicted to be tolerated by in silico analysis. Based on the available evidence, the clinical significance of this variant remains unclear.

All of Us Research Program, National Institutes of Health
Classification: Uncertain significance for BRCA2-related cancer predisposition. Last evaluated: 2024-02-22. Review status: criteria provided, single submitter. Criteria: ACMG Guidelines, 2015. Collection method: clinical testing. Allele origin: germline. Inheritance: Autosomal dominant inheritance. Observed: 2 variant alleles, 2 heterozygotes.
Comment: This missense variant replaces threonine with alanine at codon 152 of the BRCA2 protein. Computational prediction suggests that this variant may not impact protein structure and function. To our knowledge, functional studies have not been reported for this variant. This variant has been reported in at least two individuals affected with breast or ovarian cancer (PMID: 27257965, 31907386, 33471991; Leiden Open Variation Database DB-ID BRCA2_007826). This variant has been identified in 1/251058 chromosomes in the general population by the Genome Aggregation Database (gnomAD). The available evidence is insufficient to determine the role of this variant in disease conclusively. Therefore, this variant is classified as a Variant of Uncertain Significance.

This study involves interpretation of variants in research participants for the purpose of population health screening. Participant phenotype was not available at the time of variant classification. Additional details can be found in publication PMID: 35346344, PMCID: PMC8962531

MGZ Medical Genetics Center
Classification: Likely benign for Familial cancer of breast. Last evaluated: 2024-02-09. Review status: criteria provided, single submitter. Criteria: CSpec BRCA1/2ACMG Rules Specifications V1.1.0. Collection method: clinical testing. Allele origin: germline. Affected: yes.
Comment: ACMG codes applied following ENIGMA VCEP rules: BP1_STR, PM2_SUP

GeneDx
Classification: Uncertain significance. Last evaluated: 2024-02-05. Review status: criteria provided, single submitter. Criteria: GeneDx Variant Classification Process June 2021. Collection method: clinical testing. Allele origin: germline.
Comment: Identified in individuals with breast or ovarian cancer (PMID: 27257965, 30702160, 31907386); In silico analysis supports that this missense variant does not alter protein structure/function; Not observed at significant frequency in large population cohorts (gnomAD); Also known as 682A>G; This variant is associated with the following publications: (PMID: 29884841, 32377563, 30702160, 31907386, 31825140, 27257965)

Color Diagnostics, LLC DBA Color Health
Classification: Uncertain significance for Hereditary cancer-predisposing syndrome. Last evaluated: 2024-01-31. Review status: criteria provided, single submitter. Criteria: ACMG Guidelines, 2015. Collection method: clinical testing. Allele origin: germline.
Comment: This missense variant replaces threonine with alanine at codon 152 of the BRCA2 protein. Computational prediction suggests that this variant may not impact protein structure and function. To our knowledge, functional studies have not been reported for this variant. This variant has been reported in at least two individuals affected with breast or ovarian cancer (PMID: 27257965, 31907386, 33471991; Leiden Open Variation Database DB-ID BRCA2_007826). This variant has been identified in 1/251058 chromosomes in the general population by the Genome Aggregation Database (gnomAD). The available evidence is insufficient to determine the role of this variant in disease conclusively. Therefore, this variant is classified as a Variant of Uncertain Significance.

Labcorp Genetics (formerly Invitae), Labcorp
Classification: Uncertain significance for Hereditary breast ovarian cancer syndrome. Last evaluated: 2023-12-11. Review status: criteria provided, single submitter. Criteria: Invitae Variant Classification Sherloc (09022015). Collection method: clinical testing. Allele origin: germline.
Comment: This sequence change replaces threonine, which is neutral and polar, with alanine, which is neutral and non-polar, at codon 152 of the BRCA2 protein (p.Thr152Ala). This variant is present in population databases (no rsID available, gnomAD 0.0009%). This missense change has been observed in individual(s) with breast and/or ovarian cancer (PMID: 27257965, 30702160, 31907386). ClinVar contains an entry for this variant (Variation ID: 224454). Advanced modeling of protein sequence and biophysical properties (such as structural, functional, and spatial information, amino acid conservation, physicochemical variation, residue mobility, and thermodynamic stability) performed at Invitae indicates that this missense variant is not expected to disrupt BRCA2 protein function with a negative predictive value of 95%. In summary, the available evidence is currently insufficient to determine the role of this variant in disease. Therefore, it has been classified as a Variant of Uncertain Significance.

Laboratory of Molecular Diagnosis of Cancer, West China Hospital, Sichuan University
Classification: Uncertain significance for Breast neoplasm. Last evaluated: 2015-11-01. Review status: criteria provided, single submitter. Criteria: ACMG Guidelines, 2015. Collection method: research. Allele origin: germline. Affected: yes. Observed: 1 variant allele.

Literature cited by the submitters: PubMed 25186627 (cited by Ambry Genetics); PubMed 27257965 (cited by 5 submitters); PubMed 31907386 (cited by 3 submitters); PubMed 33471991 (cited by All of Us Research Program, National Institutes of Health and Color Diagnostics, LLC DBA Color Health); PubMed 30702160 (cited by Labcorp Genetics (formerly Invitae), Labcorp).

NM_000059.4(BRCA2):c.454A>G (p.Thr152Ala)

Gene: BRCA2 (BRCA2 DNA repair associated; plus strand). Cytogenetic location: 13q13.1.
Variant type: single nucleotide variant.
Coding change: c.454A>G on transcript NM_000059.4 (MANE Select); coding-DNA position 454, A replaced by G.
Protein change: p.Thr152Ala; replaces threonine 152 with alanine.
Molecular consequence: missense variant.
Genome position (GRCh38, 1-based): chr13:32,326,129, A>G. VCF-style: chr13-32326129-A-G. GRCh37 (hg19) VCF-style: chr13-32900266-A-G.
Other names: short protein forms T152A.
Identifiers: ClinVar variation 224454 (VCV000224454.21), dbSNP rs886037806, ClinGen allele CA10575905.